The following is an entry in ClinVar:

NM_173689.7(CRB2):c.90G>A (p.Leu30=)

Gene: CRB2 (crumbs cell polarity complex component 2; plus strand). Cytogenetic location: 9q33.3.
Variant type: single nucleotide variant.
Coding change: c.90G>A on transcript NM_173689.7 (MANE Select); coding-DNA position 90, G replaced by A.
Protein change: p.Leu30=; no amino-acid change (leucine 30 retained).
Molecular consequence: synonymous variant.
Genome position (GRCh38, 1-based): chr9:123,356,350, G>A. VCF-style: chr9-123356350-G-A. GRCh37 (hg19) VCF-style: chr9-126118629-G-A.
Identifiers: ClinVar variation 3713339 (VCV003713339.15).
Genomic context (GRCh38, chr9:123,356,350, plus strand): 5'-CCCCCAGGCCCTGGCCTCTGTCCTGCTACTGCTGCTCTGGGCCCCTGCCCTTTCCCTCCT[G>A]GCTGGTGAGTTGGGGCCCATGTCTGGAGGGGCCTGGGAGAGGGTCTGTCCCCCAAGACAG-3'
Protein context (NP_775960.4, residues 20-40): LLLWAPALSL[Leu30=]AGTVPSEPPS

ClinVar aggregate classification (germline): Likely benign. Review status: criteria provided, multiple submitters, no conflicts (2 of 4 stars). 2 submissions from 2 submitters: Likely benign (2). Last evaluated 2025-01-01.

gnomAD v4.1: 260 of 1,546,474 alleles (0.017%); highest among the groups gnomAD compares: Non-Finnish European, 0.021%; 2 homozygotes.

Submissions (2):

CeGaT Center for Human Genetics Tuebingen
Classification: Likely benign. Last evaluated: 2025-01-01. Review status: criteria provided, single submitter. Criteria: CeGaT Center For Human Genetics Tuebingen Variant Classification Criteria Version 2. Collection method: clinical testing. Allele origin: germline. Affected: yes. Observed: 1 variant allele.
Comment: CRB2: BP4, BP7

Labcorp Genetics (formerly Invitae), Labcorp
Classification: Likely benign. Last evaluated: 2024-10-11. Review status: criteria provided, single submitter. Criteria: Invitae Variant Classification Sherloc (09022015). Collection method: clinical testing. Allele origin: germline.